The following is an entry in ClinVar:

NM_001853.4(COL9A3):c.104G>A (p.Gly35Asp)

Gene: COL9A3 (collagen type IX alpha 3 chain; plus strand). Cytogenetic location: 20q13.33.
Variant type: single nucleotide variant.
Coding change: c.104G>A on transcript NM_001853.4 (MANE Select); coding-DNA position 104, G replaced by A.
Protein change: p.Gly35Asp; replaces glycine 35 with aspartic acid.
Molecular consequence: missense variant.
Genome position (GRCh38, 1-based): chr20:62,817,592, G>A. VCF-style: chr20-62817592-G-A. GRCh37 (hg19) VCF-style: chr20-61448944-G-A.
Other names: c.104G>A (NM_001853.3); short protein forms G35D.
Identifiers: ClinVar variation 1686596 (VCV001686596.3), dbSNP rs1390736361, ClinGen allele CA409587111.
Genomic context (GRCh38, chr20:62,817,592, plus strand): 5'-CACCTGCGCTCCTTAATGAGTTTTCTCCGTTTCAGAGAGTGGGACTCCCCGGCCCCCCCG[G>A]CCCCCCAGGGCCGCCCGGGAAGCCCGGCCAGGACGGCATTGACGTGAGTTTGGGGGTGGG-3'
Protein context (NP_001844.3, residues 25-45): AQRVGLPGPP[Gly35Asp]PPGPPGKPGQ

ClinVar aggregate classification (germline): Uncertain significance. Review status: criteria provided, multiple submitters, no conflicts (2 of 4 stars). 3 submissions from 3 submitters: Uncertain significance (3). Last evaluated 2023-12-07.

Conditions:
Epiphyseal dysplasia, multiple, 3 (EDM3). Also called: Epiphyseal dysplasia, multiple, 3, with or without myopathy; COL9A3-Related Multiple Epiphyseal Dysplasia. Identifiers: MedGen C1832998, MONDO:0010964, OMIM 600969.

Allele frequency attached by ClinVar (database versions not stated): gnomAD exomes below 0.00001; TOPMed below 0.00001.
gnomAD v4.1: 1 of 1,546,810 alleles (0.000065%); highest among the groups gnomAD compares: Non-Finnish European, 0.000087%; no homozygotes.

Submissions (3):

GeneDx
Classification: Uncertain significance. Last evaluated: 2023-12-07. Review status: criteria provided, single submitter. Criteria: GeneDx Variant Classification Process June 2021. Collection method: clinical testing. Allele origin: germline. Affected: yes.
Comment: Not observed at significant frequency in large population cohorts (gnomAD); In silico analysis supports that this missense variant has a deleterious effect on protein structure/function; This variant is associated with the following publications: (PMID: 25381065)

3billion
Classification: Uncertain significance for Epiphyseal dysplasia, multiple, 3. Last evaluated: 2023-11-12. Review status: criteria provided, single submitter. Criteria: ACMG Guidelines, 2015. Collection method: clinical testing. Allele origin: germline. Affected: yes.
Comment: The variant is not observed in the gnomAD v2.1.1 dataset. Predicted Consequence/Location: Missense variant In silico tool predictions suggest damaging effect of the variant on gene or gene product [REVEL: 0.84 (>=0.6, sensitivity 0.68 and specificity 0.92)]. Same nucleotide change resulting in same amino acid change has been previously reported to be associated with COL9A3 related disorder (PMID: 25381065). However, the evidence of pathogenicity is insufficient at this time. Therefore, this variant is classified as VUS according to the recommendation of ACMG/AMP guideline.

Mendelics
Classification: Uncertain significance. Last evaluated: 2022-05-04. Review status: criteria provided, single submitter. Criteria: Mendelics Assertion Criteria 2019. Collection method: clinical testing. Allele origin: germline.

Literature cited by the submitters: PubMed 25381065 (cited by 3billion).